The following is an entry in ClinVar:

NM_033100.4(CDHR1):c.2458C>T (p.Pro820Ser)

Gene: CDHR1 (cadherin related family member 1; plus strand). Cytogenetic location: 10q23.1.
Variant type: single nucleotide variant.
Coding change: c.2458C>T on transcript NM_033100.4 (MANE Select); coding-DNA position 2458, C replaced by T.
Protein change: p.Pro820Ser; replaces proline 820 with serine.
Molecular consequence: missense variant. On other transcripts: intron variant (1).
Genome position (GRCh38, 1-based): chr10:84,214,499, C>T. VCF-style: chr10-84214499-C-T. GRCh37 (hg19) VCF-style: chr10-85974255-C-T.
Other names: c.2040+1151C>T (NM_001171971.3); c.2458C>T (NM_033100.2); short protein forms P820S.
Identifiers: ClinVar variation 1059912 (VCV001059912.10), dbSNP rs769541620, ClinGen allele CA5580240.

ClinVar aggregate classification (germline): Uncertain significance. Review status: criteria provided, multiple submitters, no conflicts (2 of 4 stars). 2 submissions from 2 submitters: Uncertain significance (2). Last evaluated 2024-04-06.

Conditions:
Inborn genetic diseases. Identifiers: MedGen C0950123, MeSH D030342.

Allele frequency attached by ClinVar (database versions not stated): ExAC 0.00001; gnomAD exomes 0.00001 and 0.00002; TOPMed 0.00001.
gnomAD v4.1: 6 of 1,606,308 alleles (0.00037%); highest among the groups gnomAD compares: Admixed American, 0.0067%; no homozygotes.

Submissions (2):

Ambry Genetics
Classification: Uncertain significance for Inborn genetic diseases. Last evaluated: 2024-04-06. Review status: criteria provided, single submitter. Criteria: Ambry Variant Classification Scheme 2023. Collection method: clinical testing. Allele origin: germline.

Labcorp Genetics (formerly Invitae), Labcorp
Classification: Uncertain significance. Last evaluated: 2022-08-09. Review status: criteria provided, single submitter. Criteria: Invitae Variant Classification Sherloc (09022015). Collection method: clinical testing. Allele origin: germline.
Comment: This sequence change replaces proline, which is neutral and non-polar, with serine, which is neutral and polar, at codon 820 of the CDHR1 protein (p.Pro820Ser). This variant is present in population databases (rs769541620, gnomAD 0.01%). This variant has not been reported in the literature in individuals affected with CDHR1-related conditions. ClinVar contains an entry for this variant (Variation ID: 1059912). Advanced modeling of protein sequence and biophysical properties (such as structural, functional, and spatial information, amino acid conservation, physicochemical variation, residue mobility, and thermodynamic stability) performed at Invitae indicates that this missense variant is not expected to disrupt CDHR1 protein function. In summary, the available evidence is currently insufficient to determine the role of this variant in disease. Therefore, it has been classified as a Variant of Uncertain Significance.